The following is an entry in ClinVar:

ClinVar aggregate classification (germline): Benign/Likely benign. Review status: criteria provided, multiple submitters, no conflicts (2 of 4 stars). 4 submissions from 4 submitters: Benign (1); Likely benign (2). 1 of the submissions does not count toward it. Last evaluated 2024-11-25.

Conditions:
Perlman syndrome (PRLMNS). Identifiers: Orphanet 2849, MedGen C0796113, MONDO:0009965, OMIM 267000.

Submissions (4):

Blueprint Genetics
Classification: Likely benign. Last evaluated: 2024-11-25. Review status: criteria provided, single submitter. Criteria: ACMG Guidelines, 2015. Collection method: clinical testing. Allele origin: germline.

Mayo Clinic Laboratories, Mayo Clinic
Classification: Benign. Last evaluated: 2023-01-05. Review status: criteria provided, single submitter. Criteria: ACMG Guidelines, 2015. Collection method: clinical testing. Allele origin: germline. Observed: 4 variant alleles.
Comment: BS1, BS2

St. Jude Molecular Pathology, St. Jude Children's Research Hospital
Classification: Likely benign for Perlman syndrome. Last evaluated: 2020-08-19. Review status: criteria provided, single submitter. Criteria: St. Jude Assertion Criteria 2020. Collection method: clinical testing. Allele origin: germline.

Department of Pathology and Laboratory Medicine, Sinai Health System
Classification: Likely benign. Review status: no assertion criteria provided. Collection method: clinical testing. Allele origin: unknown. Affected: yes. Study: The Canadian Open Genetics Repository (COGR). Not counted in ClinVar's aggregate classification.
Comment: Variant was observed in a homozygous state in population databases more than expected for disease. Allele frequency is greater than expected for the disorder. A synonymous variant not located in a splice region.

NM_152383.5(DIS3L2):c.*11CCGCCTGCC[2]

Gene: DIS3L2 (DIS3 like 3'-5' exoribonuclease 2; plus strand). Cytogenetic location: 2q37.1.
Variant type: Microsatellite.
Coding change: c.*11CCGCCTGCC[2] on transcript NM_152383.5 (MANE Select); two copies in a row of the 9-base unit CCGCCTGCC starting at c.*11; the reference has three copies in a row; one copy, 9 bases deleted.
Molecular consequence: 3 prime UTR variant. On other transcripts: non-coding transcript variant (2), intron variant (1).
Genome position (GRCh38, 1-based): chr2:232,336,659-232,336,667, CCGCCTGCC deleted; deleting any 9 consecutive bases within chr2:232,336,641-232,336,667 gives the same sequence; the position shown is the placement nearest the transcript's 3' end. VCF-style (leftmost placement, unchanged base first): chr2-232336640-GCCGCCTGCC-G. GRCh37 (hg19) VCF-style: chr2-233201350-GCCGCCTGCC-G.
Other names: c.*29_*37delCCGCCTGCC (NM_152383.5); c.*29_*37del (NM_152383.4); c.1582-6704CCGCCTGCC[2] (NM_001257281.2).
Identifiers: ClinVar variation 982245 (VCV000982245.5), dbSNP rs538186468, ClinGen allele CA2164652.